The following is an entry in ClinVar:

ClinVar aggregate classification (germline): Uncertain significance (1 of 4 stars; one submission).

Submission:

Labcorp Genetics (formerly Invitae), Labcorp
Classification: Uncertain significance. Last evaluated: 2022-05-17. Review status: criteria provided, single submitter. Criteria: Invitae Variant Classification Sherloc (09022015). Collection method: clinical testing. Allele origin: germline.
Comment: This sequence change replaces glutamic acid, which is acidic and polar, with glutamine, which is neutral and polar, at codon 1300 of the ALPK3 protein (p.Glu1300Gln). This variant is not present in population databases (gnomAD no frequency). This variant has not been reported in the literature in individuals affected with ALPK3-related conditions. Algorithms developed to predict the effect of missense changes on protein structure and function are either unavailable or do not agree on the potential impact of this missense change (SIFT: "Deleterious"; PolyPhen-2: "Benign"; Align-GVGD: "Class C0"). In summary, the available evidence is currently insufficient to determine the role of this variant in disease. Therefore, it has been classified as a Variant of Uncertain Significance.

NM_020778.5(ALPK3):c.3292G>C (p.Glu1098Gln)

Gene: ALPK3 (alpha kinase 3; plus strand). Cytogenetic location: 15q25.3.
Variant type: single nucleotide variant.
Coding change: c.3292G>C on transcript NM_020778.5 (MANE Select); coding-DNA position 3292, G replaced by C.
Protein change: p.Glu1098Gln; replaces glutamic acid 1098 with glutamine.
Molecular consequence: missense variant.
Genome position (GRCh38, 1-based): chr15:84,858,030, G>C. VCF-style: chr15-84858030-G-C. GRCh37 (hg19) VCF-style: chr15-85401261-G-C.
Other names: short protein forms E1098Q.
Identifiers: ClinVar variation 1995399 (VCV001995399.4), dbSNP rs762559979, ClinGen allele CA393359979.